The following is an entry in ClinVar:

ClinVar aggregate classification (germline): Uncertain significance. Review status: criteria provided, multiple submitters, no conflicts (2 of 4 stars). 3 submissions from 3 submitters: Uncertain significance (3). Last evaluated 2025-09-21.

Conditions:
Hereditary cancer-predisposing syndrome. Also called: Tumor predisposition; Hereditary neoplastic syndrome; Hereditary Cancer Syndrome; Neoplastic Syndromes, Hereditary. Identifiers: Orphanet 140162, MedGen C0027672, MeSH D009386, MONDO:0015356.

Allele frequency attached by ClinVar (database versions not stated): TOPMed 0.00001.

Submissions (3):

Labcorp Genetics (formerly Invitae), Labcorp
Classification: Uncertain significance. Last evaluated: 2025-09-21. Review status: criteria provided, single submitter. Criteria: Invitae Variant Classification Sherloc (09022015). Collection method: clinical testing. Allele origin: germline.
Comment: This sequence change replaces arginine, which is basic and polar, with serine, which is neutral and polar, at codon 15 of the NTHL1 protein (p.Arg15Ser). This variant is not present in population databases (gnomAD no frequency). This variant has not been reported in the literature in individuals affected with NTHL1-related conditions. ClinVar contains an entry for this variant (Variation ID: 938730). An algorithm developed to predict the effect of missense changes on protein structure and function (PolyPhen-2) suggests that this variant is likely to be disruptive. RNA analysis performed to evaluate the impact of this missense change on mRNA splicing indicates it does not significantly alter splicing (internal data). In summary, the available evidence is currently insufficient to determine the role of this variant in disease. Therefore, it has been classified as a Variant of Uncertain Significance.

Ambry Genetics
Classification: Uncertain significance for Hereditary cancer-predisposing syndrome. Last evaluated: 2023-12-18. Review status: criteria provided, single submitter. Criteria: Ambry Variant Classification Scheme 2023. Collection method: clinical testing. Allele origin: germline.
Comment: The p.R15S variant (also known as c.45G>T), located in coding exon 1 of the NTHL1 gene, results from a G to T substitution at nucleotide position 45. The arginine at codon 15 is replaced by serine, an amino acid with dissimilar properties. This amino acid position is well conserved in available vertebrate species. In addition, this alteration is predicted to be tolerated by in silico analysis. Since supporting evidence is limited at this time, the clinical significance of this alteration remains unclear.

Sema4
Classification: Uncertain significance for Hereditary cancer-predisposing syndrome. Last evaluated: 2021-12-16. Review status: criteria provided, single submitter. Criteria: Sema4 Curation Guidelines. Collection method: curation. Allele origin: germline.
Comment: The NTHL1 c.45G>T (p.R15S) variant has not been reported in the literature to our knowledge. This variant is not reported in the population database Genome Aggregation Database (PMID: 32461654). This variant has been reported in ClinVar (Variation ID 938730). Functional studies have not been performed, and in silico predictions of the variant's effect on protein function are inconclusive. The evidence is insufficient to meet ACMG/AMP criteria for classifying the variant as benign or pathogenic. Thus, the clinical significance of this variant is currently uncertain.

NM_002528.7(NTHL1):c.21G>T (p.Arg7Ser)

Gene: NTHL1 (nth like DNA glycosylase 1; minus strand). Cytogenetic location: 16p13.3.
Variant type: single nucleotide variant.
Coding change: c.21G>T on transcript NM_002528.7 (MANE Select); coding-DNA position 21, G replaced by T.
Protein change: p.Arg7Ser; replaces arginine 7 with serine.
Molecular consequence: missense variant. On other transcripts: 5 prime UTR variant (1).
Genome position (GRCh38, 1-based): chr16:2,047,803, C>A on the plus strand (G>T on the coding strand, the complement: NTHL1 is on the minus strand). VCF-style: chr16-2047803-C-A. GRCh37 (hg19) VCF-style: chr16-2097804-C-A.
Other names: c.21G>T, p.Arg7Ser (NM_001318193.2); c.-158G>T (NM_001318194.2); short protein forms R7S.
Identifiers: ClinVar variation 938730 (VCV000938730.11), dbSNP rs762030002, ClinGen allele CA394298616.